The following is an entry in ClinVar:

ClinVar aggregate classification (germline): Uncertain significance (1 of 4 stars; one submission).

Submission:

GeneDx
Classification: Uncertain significance. Last evaluated: 2020-06-30. Review status: criteria provided, single submitter. Criteria: GeneDx Variant Classification Process June 2021. Collection method: clinical testing. Allele origin: germline. Affected: yes.
Comment: Not observed in large population cohorts (Lek et al., 2016); In silico analysis supports that this missense variant does not alter protein structure/function; Has not been previously published as pathogenic or benign to our knowledge

NM_001170629.2(CHD8):c.2327A>G (p.Lys776Arg)

Gene: CHD8 (chromodomain helicase DNA binding protein 8; minus strand). Cytogenetic location: 14q11.2.
Variant type: single nucleotide variant.
Coding change: c.2327A>G on transcript NM_001170629.2 (MANE Select); coding-DNA position 2327, A replaced by G.
Protein change: p.Lys776Arg; replaces lysine 776 with arginine.
Molecular consequence: missense variant.
Genome position (GRCh38, 1-based): chr14:21,409,888, T>C on the plus strand (A>G on the coding strand, the complement: CHD8 is on the minus strand). VCF-style: chr14-21409888-T-C. GRCh37 (hg19) VCF-style: chr14-21878047-T-C.
Other names: c.1490A>G, p.Lys497Arg (NM_020920.4); short protein forms K497R, K776R.
Identifiers: ClinVar variation 1312869 (VCV001312869.2), dbSNP rs2139484745, ClinGen allele CA388876449.